The following is an entry in ClinVar:

NM_000169.3(GLA):c.640-749C>T

Genes: GLA (galactosidase alpha; minus strand), RPL36A-HNRNPH2 (RPL36A-HNRNPH2 readthrough; plus strand). Cytogenetic location: Xq22.1.
Variant type: single nucleotide variant.
Coding change: c.640-749C>T on transcript NM_000169.3 (MANE Select); 749 bases into the intron before coding-DNA position 640, C replaced by T.
Molecular consequence: intron variant.
Genome position (GRCh38, 1-based): chrX:101,399,695, G>A on the plus strand (C>T on the coding strand, the complement: GLA is on the minus strand). VCF-style: chrX-101399695-G-A. GRCh37 (hg19) VCF-style: chrX-100654683-G-A.
Other names: c.300+4238G>A (NM_001199973.2); c.177+7873G>A (NM_001199974.2); c.763-749C>T (NM_001406747.1); c.640-749C>T (NM_001406748.1).
Identifiers: ClinVar variation 679793 (VCV000679793.1), dbSNP rs148135742, ClinGen allele CA352288.

ClinVar aggregate classification (germline): Likely benign (1 of 4 stars; one submission).

Allele frequency attached by ClinVar (database versions not stated): 1000 Genomes Project 30x 0.00375; 1000 Genomes Project 0.00397; gnomAD 0.00495 and 0.00529; TOPMed 0.00553.

Submission:

GeneDx
Classification: Likely benign. Last evaluated: 2018-06-19. Review status: criteria provided, single submitter. Criteria: GeneDx Variant Classification (06012015). Collection method: clinical testing. Allele origin: germline. Affected: yes.
Comment: This variant is considered likely benign or benign based on one or more of the following criteria: it is a conservative change, it occurs at a poorly conserved position in the protein, it is predicted to be benign by multiple in silico algorithms, and/or has population frequency not consistent with disease.